The following is an entry in ClinVar:

NM_001372.4(DNAH9):c.900T>G (p.Val300=)

Gene: DNAH9 (dynein axonemal heavy chain 9; plus strand). Cytogenetic location: 17p12.
Variant type: single nucleotide variant.
Coding change: c.900T>G on transcript NM_001372.4 (MANE Select); coding-DNA position 900, T replaced by G.
Protein change: p.Val300=; no amino-acid change (valine 300 retained).
Molecular consequence: synonymous variant.
Genome position (GRCh38, 1-based): chr17:11,611,776, T>G. VCF-style: chr17-11611776-T-G. GRCh37 (hg19) VCF-style: chr17-11515093-T-G.
Other names: c.900T>G (NM_001372.3).
Identifiers: ClinVar variation 1574727 (VCV001574727.10), dbSNP rs146030531, ClinGen allele CA8394672.

ClinVar aggregate classification (germline): Benign/Likely benign. Review status: criteria provided, multiple submitters, no conflicts (2 of 4 stars). 3 submissions from 3 submitters: Benign (1); Likely benign (2). Last evaluated 2026-07-10.

Conditions:
DNAH9-related disorder. Also called: DNAH9-related condition.

Allele frequency attached by ClinVar (database versions not stated): gnomAD exomes 0.00012 and 0.00031; ExAC 0.00042; gnomAD 0.00086 and 0.00093; 1000 Genomes Project 30x 0.00109; TOPMed 0.00122; ESP Exome Variant Server 0.00138; 1000 Genomes Project 0.00140.
gnomAD v4.1: 330 of 1,614,218 alleles (0.02%); highest among the groups gnomAD compares: African/African-American, 0.34%; 1 homozygote.

Submissions (3):

PreventionGenetics, part of Exact Sciences
Classification: Likely benign for DNAH9-related condition. Last evaluated: 2026-07-10. Review status: criteria provided, single submitter. Criteria: ACMG Guidelines, 2015. Collection method: clinical testing. Allele origin: germline.
Comment: This variant is classified as likely benign based on ACMG/AMP sequence variant interpretation guidelines (Richards et al. 2015 PMID: 25741868, with internal and published modifications).

Labcorp Genetics (formerly Invitae), Labcorp
Classification: Benign. Last evaluated: 2026-01-22. Review status: criteria provided, single submitter. Criteria: Invitae Variant Classification Sherloc (09022015). Collection method: clinical testing. Allele origin: germline.

Blueprint Genetics
Classification: Likely benign. Last evaluated: 2024-05-28. Review status: criteria provided, single submitter. Criteria: ACMG Guidelines, 2015. Collection method: clinical testing. Allele origin: germline.